The following is an entry in ClinVar:

ClinVar aggregate classification (germline): Likely benign. Review status: criteria provided, single submitter (1 of 4 stars). 2 submissions from 2 submitters: Likely benign (1). 1 of the submissions does not count toward it. Last evaluated 2025-03-23.

Conditions:
Cortical dysplasia-focal epilepsy syndrome (PTHSL1). Also called: Pitt-Hopkins-like syndrome 1. Identifiers: Orphanet 163681, Orphanet 221150, MedGen C2750246, MONDO:0012400, OMIM 610042.
CNTNAP2-related disorder. Also called: CNTNAP2-related condition.

Allele frequency attached by ClinVar (database versions not stated): gnomAD 0.00001 and 0.00002; TOPMed 0.00002.

Submissions (2):

Labcorp Genetics (formerly Invitae), Labcorp
Classification: Likely benign for Cortical dysplasia-focal epilepsy syndrome. Last evaluated: 2025-03-23. Review status: criteria provided, single submitter. Criteria: Invitae Variant Classification Sherloc (09022015). Collection method: clinical testing. Allele origin: germline.

PreventionGenetics, part of Exact Sciences
Classification: Likely benign for CNTNAP2-related condition. Last evaluated: 2022-09-07. Review status: no assertion criteria provided. Collection method: clinical testing. Allele origin: germline. Not counted in ClinVar's aggregate classification.
Comment: This variant is classified as likely benign based on ACMG/AMP sequence variant interpretation guidelines (Richards et al. 2015 PMID: 25741868, with internal and published modifications).

NM_014141.6(CNTNAP2):c.45G>A (p.Leu15=)

Gene: CNTNAP2 (contactin associated protein 2; plus strand). Cytogenetic location: 7q35.
Variant type: single nucleotide variant.
Coding change: c.45G>A on transcript NM_014141.6 (MANE Select); coding-DNA position 45, G replaced by A.
Protein change: p.Leu15=; no amino-acid change (leucine 15 retained).
Molecular consequence: synonymous variant.
Genome position (GRCh38, 1-based): chr7:146,116,921, G>A. VCF-style: chr7-146116921-G-A. GRCh37 (hg19) VCF-style: chr7-145814013-G-A.
Other names: c.45G>A (NM_014141.5).
Identifiers: ClinVar variation 1141574 (VCV001141574.11), dbSNP rs1315315089, ClinGen allele CA458490236.
Genomic context (GRCh38, chr7:146,116,921, plus strand): 5'-GGCCGGGAGGCGAAGGATGCAGGCGGCTCCGCGCGCCGGCTGCGGGGCAGCGCTCCTGCT[G>A]TGGATTGTCAGCAGCTGCCTCTGCAGAGCCTGGACGGCTCCCTCCACGTCCCGTAAGTAG-3'
Protein context (NP_054860.1, residues 5-25): PRAGCGAALL[Leu15=]WIVSSCLCRA